The following is an entry in ClinVar:

NM_024577.4(SH3TC2):c.1959G>T (p.Leu653=)

Gene: SH3TC2 (SH3 domain and tetratricopeptide repeats 2; minus strand). Cytogenetic location: 5q32.
Variant type: single nucleotide variant.
Coding change: c.1959G>T on transcript NM_024577.4 (MANE Select); coding-DNA position 1959, G replaced by T.
Protein change: p.Leu653=; no amino-acid change (leucine 653 retained).
Molecular consequence: synonymous variant.
Genome position (GRCh38, 1-based): chr5:149,027,773, C>A on the plus strand (G>T on the coding strand, the complement: SH3TC2 is on the minus strand). VCF-style: chr5-149027773-C-A. GRCh37 (hg19) VCF-style: chr5-148407336-C-A.
Identifiers: ClinVar variation 510573 (VCV000510573.3), dbSNP rs1554121674, ClinGen allele CA447399449.

ClinVar aggregate classification (germline): Likely benign. Review status: criteria provided, multiple submitters, no conflicts (2 of 4 stars). 2 submissions from 2 submitters: Likely benign (2). Last evaluated 2019-07-11.

Conditions:
Inborn genetic diseases. Identifiers: MedGen C0950123, MeSH D030342.

gnomAD v4.1: 1 of 1,613,976 alleles (0.000062%); highest among the groups gnomAD compares: Non-Finnish European, 0.000085%; no homozygotes.

Submissions (2):

Ambry Genetics
Classification: Likely benign for Inborn genetic diseases. Last evaluated: 2019-07-11. Review status: criteria provided, single submitter. Criteria: Ambry Variant Classification Scheme 2023. Collection method: clinical testing. Allele origin: germline.

GeneDx
Classification: Likely benign. Last evaluated: 2017-06-28. Review status: criteria provided, single submitter. Criteria: GeneDx Variant Classification (06012015). Collection method: clinical testing. Allele origin: germline. Affected: yes.
Comment: This variant is considered likely benign or benign based on one or more of the following criteria: it is a conservative change, it occurs at a poorly conserved position in the protein, it is predicted to be benign by multiple in silico algorithms, and/or has population frequency not consistent with disease.